The following is an entry in ClinVar:

ClinVar aggregate classification (germline): Uncertain significance (1 of 4 stars; one submission).

Conditions:
Hereditary cancer-predisposing syndrome. Also called: Neoplastic Syndromes, Hereditary; Tumor predisposition; Hereditary neoplastic syndrome; Hereditary Cancer Syndrome. Identifiers: Orphanet 140162, MedGen C0027672, MeSH D009386, MONDO:0015356.

Submission:

Ambry Genetics
Classification: Uncertain significance for Hereditary cancer-predisposing syndrome. Last evaluated: 2026-06-29. Review status: criteria provided, single submitter. Criteria: Ambry Variant Classification Scheme 2023. Collection method: clinical testing. Allele origin: germline.
Comment: The p.A29E variant (also known as c.86C>A), located in coding exon 1 of the PRKAR1A gene, results from a C to A substitution at nucleotide position 86. The alanine at codon 29 is replaced by glutamic acid, an amino acid with dissimilar properties. This variant was reported in individual(s) with features consistent with Carney complex (Pan L et al. Int J Clin Exp Pathol, 2010 May;3:545-8). This amino acid position is not well conserved in available vertebrate species. In addition, the in silico prediction for this alteration is inconclusive. Based on the available evidence, the clinical significance of this variant remains unclear.

Literature cited by the submitters: PubMed 20606737.

NM_002734.5(PRKAR1A):c.86C>A (p.Ala29Glu)

Gene: PRKAR1A (protein kinase cAMP-dependent type I regulatory subunit alpha; plus strand). Cytogenetic location: 17q24.2.
Variant type: single nucleotide variant.
Coding change: c.86C>A on transcript NM_002734.5 (MANE Select); coding-DNA position 86, C replaced by A.
Protein change: p.Ala29Glu; replaces alanine 29 with glutamic acid.
Molecular consequence: missense variant.
Genome position (GRCh38, 1-based): chr17:68,515,485, C>A. VCF-style: chr17-68515485-C-A. GRCh37 (hg19) VCF-style: chr17-66511626-C-A.
Other names: c.86C>A, p.Ala29Glu (NM_001276289.2, NM_001276290.1, NM_001278433.2 and 4 more transcripts); short protein forms A29E.
Identifiers: ClinVar variation 5027300 (VCV005027300.1).